The following is an entry in ClinVar:

NM_198428.3(BBS9):c.1484A>T (p.Tyr495Phe)

Gene: BBS9 (Bardet-Biedl syndrome 9; plus strand). Cytogenetic location: 7p14.3.
Variant type: single nucleotide variant.
Coding change: c.1484A>T on transcript NM_198428.3 (MANE Select); coding-DNA position 1484, A replaced by T.
Protein change: p.Tyr495Phe; replaces tyrosine 495 with phenylalanine.
Molecular consequence: missense variant. On other transcripts: non-coding transcript variant (3), intron variant (5).
Genome position (GRCh38, 1-based): chr7:33,351,270, A>T. VCF-style: chr7-33351270-A-T. GRCh37 (hg19) VCF-style: chr7-33390882-A-T.
Other names: c.1484A>T, p.Tyr495Phe (NM_001033605.2, NM_001348036.1, NM_001348041.4 and 2 more transcripts); c.1118A>T, p.Tyr373Phe (NM_001348037.3, NM_001348045.3, NM_001348046.3); c.1211A>T, p.Tyr404Phe (NM_001348038.3); c.1349A>T, p.Tyr450Phe (NM_001348042.3); c.1160-1589A>T (NM_001348039.3); c.1433-1589A>T (NM_001033604.2); c.1432+2100A>T (NM_014451.4, NM_001348040.3); c.1067-1589A>T (NM_001348044.3); short protein forms Y373F, Y404F, Y450F, Y495F.
Identifiers: ClinVar variation 3353742 (VCV003353742.1).

ClinVar aggregate classification (germline): Uncertain significance (0 of 4 stars; one submission).

Conditions:
BBS9-related disorder. Also called: BBS9-related condition.

gnomAD v4.1: 3 of 1,613,458 alleles (0.00019%); highest among the groups gnomAD compares: East Asian, 0.0067%; no homozygotes.

Submission:

PreventionGenetics, part of Exact Sciences
Classification: Uncertain significance for BBS9-related condition. Last evaluated: 2023-11-06. Review status: no assertion criteria provided. Collection method: clinical testing. Allele origin: germline.
Comment: The BBS9 c.1484A>T variant is predicted to result in the amino acid substitution p.Tyr495Phe. To our knowledge, this variant has not been reported in the literature or in a large population database, indicating this variant is rare. At this time, the clinical significance of this variant is uncertain due to the absence of conclusive functional and genetic evidence.